The following is an entry in ClinVar:

NM_001458.5(FLNC):c.4519C>A (p.Pro1507Thr)

Gene: FLNC (filamin C; plus strand). Cytogenetic location: 7q32.1.
Variant type: single nucleotide variant.
Coding change: c.4519C>A on transcript NM_001458.5 (MANE Select); coding-DNA position 4519, C replaced by A.
Protein change: p.Pro1507Thr; replaces proline 1507 with threonine.
Molecular consequence: missense variant.
Genome position (GRCh38, 1-based): chr7:128,848,007, C>A. VCF-style: chr7-128848007-C-A. GRCh37 (hg19) VCF-style: chr7-128488061-C-A.
Other names: c.4519C>A, p.Pro1507Thr (NM_001127487.2); short protein forms P1507T.
Identifiers: ClinVar variation 1707780 (VCV001707780.8), dbSNP rs2536646521, ClinGen allele CA369201930.

ClinVar aggregate classification (germline): Uncertain significance. Review status: criteria provided, multiple submitters, no conflicts (2 of 4 stars). 3 submissions from 3 submitters: Uncertain significance (3). Last evaluated 2026-05-28.

Conditions:
Myofibrillar myopathy 5. Also called: Filaminopathy (type); FILAMINOPATHY, AUTOSOMAL DOMINANT. Identifiers: Orphanet 171445, MedGen C1836050, MONDO:0012289, OMIM 609524.
Distal myopathy with posterior leg and anterior hand involvement. Also called: WILLIAMS DISTAL MYOPATHY. Identifiers: Orphanet 63273, MedGen C3279722, MONDO:0013550, OMIM 614065.
Hypertrophic cardiomyopathy 26. Also called: Cardiomyopathy, familial hypertrophic, 26. Identifiers: Orphanet 75249, MedGen C4310749, MONDO:0014883, OMIM 617047.
Cardiovascular phenotype. Identifiers: MedGen CN230736.

Allele frequency attached by ClinVar (database versions not stated): gnomAD exomes below 0.00001.
gnomAD v4.1: 1 of 1,609,026 alleles (0.000062%); highest among the groups gnomAD compares: East Asian, 0.0022%; no homozygotes.

Submissions (3):

Ambry Genetics
Classification: Uncertain significance for Cardiovascular phenotype. Last evaluated: 2026-05-28. Review status: criteria provided, single submitter. Criteria: Ambry Variant Classification Scheme 2023. Collection method: clinical testing. Allele origin: germline.
Comment: The p.P1507T variant (also known as c.4519C>A), located in coding exon 26 of the FLNC gene, results from a C to A substitution at nucleotide position 4519. The proline at codon 1507 is replaced by threonine, an amino acid with highly similar properties. This amino acid position is conserved. In addition, the in silico prediction for this alteration is inconclusive. Based on the available evidence, the clinical significance of this variant remains unclear.

GeneDx
Classification: Uncertain significance. Last evaluated: 2022-03-31. Review status: criteria provided, single submitter. Criteria: GeneDx Variant Classification Process June 2021. Collection method: clinical testing. Allele origin: germline. Affected: yes.
Comment: Has not been previously published as pathogenic or benign to our knowledge; Not observed at significant frequency in large population cohorts (gnomAD); In silico analysis supports that this missense variant has a deleterious effect on protein structure/function

Labcorp Genetics (formerly Invitae), Labcorp
Classification: Uncertain significance for Distal myopathy with posterior leg and anterior hand involvement; Myofibrillar myopathy 5; Hypertrophic cardiomyopathy 26. Last evaluated: 2021-12-12. Review status: criteria provided, single submitter. Criteria: Invitae Variant Classification Sherloc (09022015). Collection method: clinical testing. Allele origin: germline.
Comment: Algorithms developed to predict the effect of missense changes on protein structure and function (SIFT, PolyPhen-2, Align-GVGD) all suggest that this variant is likely to be disruptive. This variant has not been reported in the literature in individuals affected with FLNC-related conditions. This variant is not present in population databases (gnomAD no frequency). This sequence change replaces proline, which is neutral and non-polar, with threonine, which is neutral and polar, at codon 1507 of the FLNC protein (p.Pro1507Thr). In summary, the available evidence is currently insufficient to determine the role of this variant in disease. Therefore, it has been classified as a Variant of Uncertain Significance.